The following is an entry in ClinVar:

ClinVar aggregate classification (germline): Uncertain significance (1 of 4 stars; one submission).

Allele frequency attached by ClinVar (database versions not stated): gnomAD exomes 0.00001; TOPMed 0.00001.
gnomAD v4.1: 9 of 1,613,556 alleles (0.00056%); highest among the groups gnomAD compares: Non-Finnish European, 0.00068%; no homozygotes.

Submission:

Labcorp Genetics (formerly Invitae), Labcorp
Classification: Uncertain significance. Last evaluated: 2024-06-23. Review status: criteria provided, single submitter. Criteria: Invitae Variant Classification Sherloc (09022015). Collection method: clinical testing. Allele origin: germline.
Comment: This sequence change replaces glycine, which is neutral and non-polar, with aspartic acid, which is acidic and polar, at codon 4246 of the HMCN1 protein (p.Gly4246Asp). This variant is present in population databases (no rsID available, gnomAD 0.0009%). This variant has not been reported in the literature in individuals affected with HMCN1-related conditions. An algorithm developed to predict the effect of missense changes on protein structure and function (PolyPhen-2) suggests that this variant is likely to be disruptive. In summary, the available evidence is currently insufficient to determine the role of this variant in disease. Therefore, it has been classified as a Variant of Uncertain Significance.

NM_031935.3(HMCN1):c.12737G>A (p.Gly4246Asp)

Gene: HMCN1 (hemicentin 1; plus strand). Cytogenetic location: 1q31.1.
Variant type: single nucleotide variant.
Coding change: c.12737G>A on transcript NM_031935.3 (MANE Select); coding-DNA position 12737, G replaced by A.
Protein change: p.Gly4246Asp; replaces glycine 4246 with aspartic acid.
Molecular consequence: missense variant.
Genome position (GRCh38, 1-based): chr1:186,128,124, G>A. VCF-style: chr1-186128124-G-A. GRCh37 (hg19) VCF-style: chr1-186097256-G-A.
Other names: short protein forms G4246D.
Identifiers: ClinVar variation 2993692 (VCV002993692.3), dbSNP rs1375928831, ClinGen allele CA343905257.